The following is an entry in ClinVar:

ClinVar aggregate classification (germline): Uncertain significance (1 of 4 stars; one submission).

Submission:

GeneDx
Classification: Uncertain significance. Last evaluated: 2026-03-26. Review status: criteria provided, single submitter. Criteria: GeneDx Variant Classification Process June 2021. Collection method: clinical testing. Allele origin: germline.
Comment: Not observed at significant frequency in large population cohorts (gnomAD); In silico analysis supports that this missense variant has a deleterious effect on protein structure/function; Has not been previously published as pathogenic or benign to our knowledge.

NM_007144.3(PCGF2):c.19A>G (p.Ile7Val)

Gene: PCGF2 (polycomb group ring finger 2; minus strand). Cytogenetic location: 17q12.
Variant type: single nucleotide variant.
Coding change: c.19A>G on transcript NM_007144.3 (MANE Select); coding-DNA position 19, A replaced by G.
Protein change: p.Ile7Val; replaces isoleucine 7 with valine.
Molecular consequence: missense variant.
Genome position (GRCh38, 1-based): chr17:38,740,384, T>C on the plus strand (A>G on the coding strand, the complement: PCGF2 is on the minus strand). VCF-style: chr17-38740384-T-C. GRCh37 (hg19) VCF-style: chr17-36896637-T-C.
Other names: c.19A>G, p.Ile7Val (NM_001369614.1, NM_001369615.1); short protein forms I7V.
Identifiers: ClinVar variation 5017595 (VCV005017595.1).